The following is an entry in ClinVar:

NM_024757.5(EHMT1):c.827G>A (p.Cys276Tyr)

Gene: EHMT1 (euchromatic histone lysine methyltransferase 1; plus strand). Cytogenetic location: 9q34.3.
Variant type: single nucleotide variant.
Coding change: c.827G>A on transcript NM_024757.5 (MANE Select); coding-DNA position 827, G replaced by A.
Protein change: p.Cys276Tyr; replaces cysteine 276 with tyrosine.
Molecular consequence: missense variant. On other transcripts: intron variant (1).
Genome position (GRCh38, 1-based): chr9:137,743,374, G>A. VCF-style: chr9-137743374-G-A. GRCh37 (hg19) VCF-style: chr9-140637826-G-A.
Other names: c.827G>A, p.Cys276Tyr (NM_001145527.2, NM_001354611.2); c.734G>A, p.Cys245Tyr (NM_001354259.2, NM_001354612.2); c.824-18G>A (NM_001354263.2); short protein forms C245Y, C276Y.
Identifiers: ClinVar variation 1058790 (VCV001058790.9), dbSNP rs1415240278, ClinGen allele CA375777462.

ClinVar aggregate classification (germline): Uncertain significance (1 of 4 stars; one submission).

Conditions:
Kleefstra syndrome 1 (KLEFS1). Identifiers: Orphanet 261494, MedGen C0795833, MONDO:0027407, OMIM 610253.

Submission:

Labcorp Genetics (formerly Invitae), Labcorp
Classification: Uncertain significance for Kleefstra syndrome 1. Last evaluated: 2022-09-05. Review status: criteria provided, single submitter. Criteria: Invitae Variant Classification Sherloc (09022015). Collection method: clinical testing. Allele origin: germline.
Comment: This sequence change replaces cysteine, which is neutral and slightly polar, with tyrosine, which is neutral and polar, at codon 276 of the EHMT1 protein (p.Cys276Tyr). This variant is not present in population databases (gnomAD no frequency). This variant has not been reported in the literature in individuals affected with EHMT1-related conditions. ClinVar contains an entry for this variant (Variation ID: 1058790). Algorithms developed to predict the effect of missense changes on protein structure and function are either unavailable or do not agree on the potential impact of this missense change (SIFT: "Deleterious"; PolyPhen-2: "Benign"; Align-GVGD: "Class C0"). Algorithms developed to predict the effect of sequence changes on RNA splicing suggest that this variant may disrupt the consensus splice site. In summary, the available evidence is currently insufficient to determine the role of this variant in disease. Therefore, it has been classified as a Variant of Uncertain Significance.